The following is an entry in ClinVar:

ClinVar aggregate classification (germline): Uncertain significance (1 of 4 stars; one submission).

gnomAD v4.1: 2 of 1,586,344 alleles (0.00013%); highest among the groups gnomAD compares: Non-Finnish European, 0.00017%; no homozygotes.

Submission:

Labcorp Genetics (formerly Invitae), Labcorp
Classification: Uncertain significance. Last evaluated: 2026-01-27. Review status: criteria provided, single submitter. Criteria: Invitae Variant Classification Sherloc (09022015). Collection method: clinical testing. Allele origin: germline.
Comment: This sequence change replaces alanine, which is neutral and non-polar, with valine, which is neutral and non-polar, at codon 827 of the COL11A2 protein (p.Ala827Val). This variant is not present in population databases (gnomAD no frequency). This variant has not been reported in the literature in individuals affected with COL11A2-related conditions. Invitae Evidence Modeling of protein sequence and biophysical properties (such as structural, functional, and spatial information, amino acid conservation, physicochemical variation, residue mobility, and thermodynamic stability) indicates that this missense variant is not expected to disrupt COL11A2 protein function with a negative predictive value of 95%. In summary, the available evidence is currently insufficient to determine the role of this variant in disease. Therefore, it has been classified as a Variant of Uncertain Significance.

NM_080680.3(COL11A2):c.2480C>T (p.Ala827Val)

Gene: COL11A2 (collagen type XI alpha 2 chain; minus strand). Cytogenetic location: 6p21.32.
Variant type: single nucleotide variant.
Coding change: c.2480C>T on transcript NM_080680.3 (MANE Select); coding-DNA position 2480, C replaced by T.
Protein change: p.Ala827Val; replaces alanine 827 with valine.
Molecular consequence: missense variant.
Genome position (GRCh38, 1-based): chr6:33,174,169, G>A on the plus strand (C>T on the coding strand, the complement: COL11A2 is on the minus strand). VCF-style: chr6-33174169-G-A. GRCh37 (hg19) VCF-style: chr6-33141946-G-A.
Other names: c.2300C>T, p.Ala767Val (NM_001424108.1); c.1634C>T, p.Ala545Val (NM_001424109.1); c.1454C>T, p.Ala485Val (NM_001424110.1, NM_001424111.1); c.434C>T, p.Ala145Val (NM_001424112.1); c.2159C>T, p.Ala720Val (NM_080679.3); c.2222C>T, p.Ala741Val (NM_080681.3); short protein forms A145V, A485V, A545V, A720V, A741V, A767V, A827V.
Identifiers: ClinVar variation 4801320 (VCV004801320.1).